The following is an entry in ClinVar:

ClinVar aggregate classification (germline): Uncertain significance. Review status: criteria provided, multiple submitters, no conflicts (2 of 4 stars). 2 submissions from 2 submitters: Uncertain significance (2). Last evaluated 2025-08-26.

Conditions:
Tuberous sclerosis 1 (TSC1). Identifiers: Orphanet 805, MedGen C1854465, MONDO:0008612, OMIM 191100.
Hereditary cancer-predisposing syndrome. Also called: Tumor predisposition; Hereditary neoplastic syndrome; Neoplastic Syndromes, Hereditary; Hereditary Cancer Syndrome. Identifiers: Orphanet 140162, MedGen C0027672, MeSH D009386, MONDO:0015356.

Submissions (2):

Ambry Genetics
Classification: Uncertain significance for Hereditary cancer-predisposing syndrome. Last evaluated: 2025-08-26. Review status: criteria provided, single submitter. Criteria: Ambry Variant Classification Scheme 2023. Collection method: clinical testing. Allele origin: germline.
Comment: The c.3106_3107delGGinsAA variant, located in coding exon 21 of the TSC1 gene, results from an in-frame deletion of GG and insertion of AA at nucleotide positions 3106 to 3107. This results in the substitution of the glycine residue for a lysine residue at codon 1036, an amino acid with dissimilar properties. This amino acid position is highly conserved in available vertebrate species. In addition, this alteration is predicted to be neutral by in silico analysis (Choi Y et al. PLoS ONE. 2012; 7(10):e46688). Since supporting evidence is limited at this time, the clinical significance of this alteration remains unclear.

Labcorp Genetics (formerly Invitae), Labcorp
Classification: Uncertain significance for Tuberous sclerosis 1. Last evaluated: 2025-02-26. Review status: criteria provided, single submitter. Criteria: Invitae Variant Classification Sherloc (09022015). Collection method: clinical testing. Allele origin: germline.
Comment: This sequence change replaces glycine, which is neutral and non-polar, with lysine, which is basic and polar, at codon 1036 of the TSC1 protein (p.Gly1036Lys). Information on the frequency of this variant in the gnomAD database is not available, as this variant may be reported differently in the database. This variant has not been reported in the literature in individuals affected with TSC1-related conditions. ClinVar contains an entry for this variant (Variation ID: 1520227). An algorithm developed to predict the effect of missense changes on protein structure and function (PolyPhen-2) suggests that this variant is likely to be disruptive. In summary, the available evidence is currently insufficient to determine the role of this variant in disease. Therefore, it has been classified as a Variant of Uncertain Significance.

NM_000368.5(TSC1):c.3106_3107delinsAA (p.Gly1036Lys)

Gene: TSC1 (TSC complex subunit 1; minus strand). Cytogenetic location: 9q34.13.
Variant type: Indel.
Coding change: c.3106_3107delinsAA on transcript NM_000368.5 (MANE Select); coding-DNA positions 3106 to 3107, GG replaced by AA.
Protein change: p.Gly1036Lys; replaces glycine 1036 with lysine.
Molecular consequence: missense variant.
Genome position (GRCh38, 1-based): chr9:132,896,623-132,896,624, CC replaced by TT on the plus strand (GG replaced by AA on the coding strand, the reverse complement: TSC1 is on the minus strand). VCF-style: chr9-132896623-CC-TT. GRCh37 (hg19) VCF-style: chr9-135772010-CC-TT.
Other names: c.2743_2744delinsAA, p.Gly915Lys (NM_001362177.2); c.3103_3104delinsAA, p.Gly1035Lys (NM_001162426.2); c.2953_2954delinsAA, p.Gly985Lys (NM_001162427.2); c.3106_3107delGGinsAA (NM_000368.4); short protein forms G1036K, G1035K, G915K, G985K.
Identifiers: ClinVar variation 1520227 (VCV001520227.9), dbSNP rs2131609182, ClinGen allele CA2573144359.